The following is an entry in ClinVar:

ClinVar aggregate classification (germline): Uncertain significance (1 of 4 stars; one submission).

gnomAD v4.1: 11 of 1,614,048 alleles (0.00068%); highest among the groups gnomAD compares: East Asian, 0.0045%; no homozygotes.

Submission:

Athena Diagnostics
Classification: Uncertain significance. Last evaluated: 2023-10-13. Review status: criteria provided, single submitter. Criteria: Athena Diagnostics Criteria. Collection method: clinical testing. Allele origin: unknown.
Comment: Available data are insufficient to determine the clinical significance of the variant at this time. The frequency of this variant in the general population is uninformative in assessment of its pathogenicity. Computational tools disagree on the variant's effect on normal protein function.

NM_020919.4(ALS2):c.467C>T (p.Ala156Val)

Gene: ALS2 (alsin Rho guanine nucleotide exchange factor ALS2; minus strand). Cytogenetic location: 2q33.1.
Variant type: single nucleotide variant.
Coding change: c.467C>T on transcript NM_020919.4 (MANE Select); coding-DNA position 467, C replaced by T.
Protein change: p.Ala156Val; replaces alanine 156 with valine.
Molecular consequence: missense variant.
Genome position (GRCh38, 1-based): chr2:201,761,527, G>A on the plus strand (C>T on the coding strand, the complement: ALS2 is on the minus strand). VCF-style: chr2-201761527-G-A. GRCh37 (hg19) VCF-style: chr2-202626250-G-A.
Other names: c.467C>T, p.Ala156Val (NM_001135745.2, NM_001410975.1); short protein forms A156V.
Identifiers: ClinVar variation 3571890 (VCV003571890.1).